The following is an entry in ClinVar:

ClinVar aggregate classification (germline): Benign/Likely benign. Review status: criteria provided, multiple submitters, no conflicts (2 of 4 stars). 3 submissions from 3 submitters: Benign (1); Likely benign (1). 1 of the submissions does not count toward it. Last evaluated 2026-01-25.

Conditions:
ARHGAP31-related disorder. Also called: ARHGAP31-related condition.

Allele frequency attached by ClinVar (database versions not stated): gnomAD exomes 0.00010 and 0.00032; ExAC 0.00039; TOPMed 0.00108; gnomAD 0.00125 and 0.00132; ESP Exome Variant Server 0.00138; 1000 Genomes Project 0.00180; 1000 Genomes Project 30x 0.00187.
gnomAD v4.1: 347 of 1,613,586 alleles (0.022%); highest among the groups gnomAD compares: African/African-American, 0.4%; 1 homozygote.

Submissions (3):

Labcorp Genetics (formerly Invitae), Labcorp
Classification: Benign. Last evaluated: 2026-01-25. Review status: criteria provided, single submitter. Criteria: Invitae Variant Classification Sherloc (09022015). Collection method: clinical testing. Allele origin: germline.

Breakthrough Genomics
Classification: Likely benign. Review status: criteria provided, single submitter. Criteria: ACMG Guidelines, 2015. Collection method: not provided. Allele origin: germline. Inheritance: Autosomal dominant inheritance. Affected: yes.

PreventionGenetics, part of Exact Sciences
Classification: Likely benign for ARHGAP31-related condition. Last evaluated: 2019-03-05. Review status: no assertion criteria provided. Collection method: clinical testing. Allele origin: germline. Not counted in ClinVar's aggregate classification.
Comment: This variant is classified as likely benign based on ACMG/AMP sequence variant interpretation guidelines (Richards et al. 2015 PMID: 25741868, with internal and published modifications).

NM_020754.4(ARHGAP31):c.100+9C>T

Gene: ARHGAP31 (Rho GTPase activating protein 31; plus strand). Cytogenetic location: 3q13.32.
Variant type: single nucleotide variant.
Coding change: c.100+9C>T on transcript NM_020754.4 (MANE Select); 9 bases into the intron after coding-DNA position 100, C replaced by T.
Molecular consequence: intron variant.
Genome position (GRCh38, 1-based): chr3:119,295,013, C>T. VCF-style: chr3-119295013-C-T. GRCh37 (hg19) VCF-style: chr3-119013860-C-T.
Identifiers: ClinVar variation 342626 (VCV000342626.13), dbSNP rs76783588, ClinGen allele CA2553440.